The following is an entry in ClinVar:

NM_002485.5(NBN):c.994+2T>C

Gene: NBN (nibrin; minus strand). Cytogenetic location: 8q21.3.
Variant type: single nucleotide variant.
Coding change: c.994+2T>C on transcript NM_002485.5 (MANE Select); the canonical splice donor site of the intron after coding-DNA position 994, T replaced by C.
Molecular consequence: splice donor variant.
Genome position (GRCh38, 1-based): chr8:89,964,408, A>G on the plus strand (T>C on the coding strand, the complement: NBN is on the minus strand). VCF-style: chr8-89964408-A-G. GRCh37 (hg19) VCF-style: chr8-90976636-A-G.
Other names: c.748+2T>C (NM_001024688.3).
Identifiers: ClinVar variation 1504238 (VCV001504238.8), dbSNP rs1586075690, ClinGen allele CA371656832.

ClinVar aggregate classification (germline): Likely pathogenic. Review status: criteria provided, multiple submitters, no conflicts (2 of 4 stars). 2 submissions from 2 submitters: Likely pathogenic (2). Last evaluated 2022-05-25.

Conditions:
Microcephaly, normal intelligence and immunodeficiency (NBS). Also called: BERLIN BREAKAGE SYNDROME; SEEMANOVA SYNDROME II; Immunodeficiency, microcephaly with normal intelligence; Ataxia telangiectasia variant V1; Nijmegen breakage syndrome; IMMUNODEFICIENCY, MICROCEPHALY, AND CHROMOSOMAL INSTABILITY. Identifiers: Orphanet 647, MedGen C0398791, MONDO:0009623, OMIM 251260.
Hereditary cancer-predisposing syndrome. Also called: Tumor predisposition; Hereditary neoplastic syndrome; Neoplastic Syndromes, Hereditary; Hereditary Cancer Syndrome. Identifiers: Orphanet 140162, MedGen C0027672, MeSH D009386, MONDO:0015356.

Submissions (2):

Ambry Genetics
Classification: Likely pathogenic for Hereditary cancer-predisposing syndrome. Last evaluated: 2022-05-25. Review status: criteria provided, single submitter. Criteria: Ambry Variant Classification Scheme 2023. Collection method: clinical testing. Allele origin: germline.
Comment: The c.994+2T>C intronic variant results from a T to C substitution two nucleotides after coding exon 8 in the NBN gene. This variant is considered to be rare based on population cohorts in the Genome Aggregation Database (gnomAD). This nucleotide position is highly conserved in available vertebrate species. In silico splice site analysis predicts that this alteration will weaken the native splice donor site. RNA studies have demonstrated that this alteration results in abnormal splicing in the set of samples tested (Ambry internal data). Based on the majority of available evidence to date, this variant is likely to be pathogenic.

Labcorp Genetics (formerly Invitae), Labcorp
Classification: Likely pathogenic for Microcephaly, normal intelligence and immunodeficiency. Last evaluated: 2021-10-09. Review status: criteria provided, single submitter. Criteria: Invitae Variant Classification Sherloc (09022015). Collection method: clinical testing. Allele origin: germline.
Comment: This sequence change affects a donor splice site in intron 8 of the NBN gene. It is expected to disrupt RNA splicing. Variants that disrupt the donor or acceptor splice site typically lead to a loss of protein function (PMID: 16199547), and loss-of-function variants in NBN are known to be pathogenic (PMID: 9590180, 16415040). In summary, the currently available evidence indicates that the variant is pathogenic, but additional data are needed to prove that conclusively. Therefore, this variant has been classified as Likely Pathogenic. Algorithms developed to predict the effect of sequence changes on RNA splicing suggest that this variant may disrupt the consensus splice site. This variant has not been reported in the literature in individuals affected with NBN-related conditions. This variant is not present in population databases (ExAC no frequency).

Literature cited by the submitters: PubMed 16199547 (cited by Labcorp Genetics (formerly Invitae), Labcorp); PubMed 9590180 (cited by Labcorp Genetics (formerly Invitae), Labcorp); PubMed 16415040 (cited by Labcorp Genetics (formerly Invitae), Labcorp).